The following is an entry in ClinVar:

NM_000478.6(ALPL):c.1130C>T (p.Ala377Val)

Gene: ALPL (alkaline phosphatase, biomineralization associated; plus strand). Cytogenetic location: 1p36.12.
Variant type: single nucleotide variant.
Coding change: c.1130C>T on transcript NM_000478.6 (MANE Select); coding-DNA position 1130, C replaced by T.
Protein change: p.Ala377Val; replaces alanine 377 with valine.
Molecular consequence: missense variant.
Genome position (GRCh38, 1-based): chr1:21,575,865, C>T. VCF-style: chr1-21575865-C-T. GRCh37 (hg19) VCF-style: chr1-21902358-C-T.
Other names: c.1130C>T (NM_000478.4, NM_000478.5); c.965C>T, p.Ala322Val (NM_001127501.4); c.899C>T, p.Ala300Val (NM_001177520.3); c.1130C>T, p.Ala377Val (NM_001369803.2, NM_001369804.2, NM_001369805.2); short protein forms A377V, A300V, A322V.
Identifiers: ClinVar variation 1472480 (VCV001472480.14), dbSNP rs756418235, ClinGen allele CA666737.
Genomic context (GRCh38, chr1:21,575,865, plus strand): 5'-GGGCCATCGGGCAGGCAGGCAGCTTGACCTCCTCGGAAGACACTCTGACCGTGGTCACTG[C>T]GGACCATTCCCACGTCTTCACATTTGGTGGATACACCCCCCGTGGCAACTCTATCTTTGG-3'
Protein context (NP_000469.3, residues 367-387): SSEDTLTVVT[Ala377Val]DHSHVFTFGG

ClinVar aggregate classification (germline): Pathogenic/Likely pathogenic. Review status: criteria provided, multiple submitters, no conflicts (2 of 4 stars). 6 submissions from 6 submitters: Pathogenic (3); Likely pathogenic (3). Last evaluated 2025-12-08.

Conditions:
Adult hypophosphatasia. Identifiers: Orphanet 247676, Orphanet 436, MedGen C0268413, MONDO:1010154, OMIM 146300, MONDO:0007798.
ALPL-related disorder. Also called: ALPL-related disorders; ALPL-related condition.
Childhood hypophosphatasia. Identifiers: Orphanet 247667, Orphanet 436, MedGen C0220743, MONDO:1010168, OMIM 241510, MONDO:0009428.
Infantile hypophosphatasia. Identifiers: Orphanet 247651, Orphanet 436, MedGen C0268412, MONDO:1010169, OMIM 241500, MONDO:0009427.
Hypophosphatasia. Also called: Phosphoethanol-aminuria. Identifiers: Orphanet 436, MedGen C0020630, MeSH D007014, MONDO:0018570.

Allele frequency attached by ClinVar (database versions not stated): gnomAD exomes below 0.00001 and 0.00001; ExAC 0.00001.
gnomAD v4.1: 4 of 1,614,192 alleles (0.00025%); highest among the groups gnomAD compares: South Asian, 0.0011%; no homozygotes.

Submissions (6):

Labcorp Genetics (formerly Invitae), Labcorp
Classification: Pathogenic. Last evaluated: 2025-12-08. Review status: criteria provided, single submitter. Criteria: Invitae Variant Classification Sherloc (09022015). Collection method: clinical testing. Allele origin: germline.
Comment: This sequence change replaces alanine, which is neutral and non-polar, with valine, which is neutral and non-polar, at codon 377 of the ALPL protein (p.Ala377Val). This variant is present in population databases (rs756418235, gnomAD 0.01%). This missense change has been observed in individuals with hypophosphatasia (PMID: 31707452, 32160374; internal data). ClinVar contains an entry for this variant (Variation ID: 1472480). Invitae Evidence Modeling of protein sequence and biophysical properties (such as structural, functional, and spatial information, amino acid conservation, physicochemical variation, residue mobility, and thermodynamic stability) indicates that this missense variant is expected to disrupt ALPL protein function with a positive predictive value of 95%. Experimental studies have shown that this missense change affects ALPL function (PMID: 31707452, 32160374). For these reasons, this variant has been classified as Pathogenic.

Genomenon, Inc
Classification: Pathogenic for Hypophosphatasia. Last evaluated: 2025-08-29. Review status: criteria provided, single submitter. Criteria: Genomenon Sequence Variant Interpretation Standards. Collection method: curation. Allele origin: germline. Affected: yes.
Comment: ALPL c.1130C>T is a missense variant that changes the amino acid at residue 377 from Alanine to Valine. This variant has been observed in at least one proband affected with hypophosphatasia (PMID:38884565;32811521;32973344;36361766;31600233;31707452;32088736). At least one functional study has demonstrated a substantial alteration in protein function relative to the wild-type (PMID:32160374;31707452). It is absent or not present at a significant frequency in gnomAD. In silico models agree that this variant is possibly or probably damaging. In conclusion, we classify ALPL p.Ala377Val (c.1130C>T) as a pathogenic variant.

GeneDx
Classification: Likely pathogenic. Last evaluated: 2025-08-06. Review status: criteria provided, single submitter. Criteria: GeneDx Variant Classification Process June 2021. Collection method: clinical testing. Allele origin: germline.
Comment: Observed with a second ALPL variant in patients with childhood-onset hypophosphatasia (PMID: 33974261, 32811521); Published functional studies demonstrate a dominant negative effect resulting in a reduction of enzyme activity (PMID: 32160374, 31707452); In silico analysis supports that this missense variant has a deleterious effect on protein structure/function; This variant is associated with the following publications: (PMID: 32160374, 31707452, 36361766, 31600233, 33974261, 38884565, 37475513, 38702915, 32088736, 32811521)

PreventionGenetics, part of Exact Sciences
Classification: Pathogenic for ALPL-related condition. Last evaluated: 2023-01-05. Review status: criteria provided, single submitter. Criteria: ACMG Guidelines, 2015. Collection method: clinical testing. Allele origin: germline.
Comment: The ALPL c.1130C>T variant is predicted to result in the amino acid substitution p.Ala377Val. This variant in the heterozygous, compound heterozygous or homozygous condition has been reported in individuals with hypophosphatasia (Cui et al. 2021. PubMed ID: 33974261; Table S2, Del Angel. 2020. PubMed ID: 32160374; Table 4, Michigami. 2019. PubMed ID: 31707452; Table 2, Okawa. 2019. PubMed ID: 31600233; Vogt et al. 2020. PubMed ID: 32811521). This variant is reported in 0.0099% of alleles in individuals of Ashkenazi Jewish descent in gnomAD. This variant is interpreted as pathogenic.

Baylor Genetics
Classification: Likely pathogenic for Adult hypophosphatasia. Last evaluated: 2022-08-09. Review status: criteria provided, single submitter. Criteria: ACMG Guidelines, 2015. Collection method: clinical testing. Allele origin: unknown.

Fulgent Genetics
Classification: Likely pathogenic for Adult hypophosphatasia; Infantile hypophosphatasia; Childhood hypophosphatasia. Last evaluated: 2021-12-31. Review status: criteria provided, single submitter. Criteria: ACMG Guidelines, 2015. Collection method: clinical testing. Allele origin: unknown.

Literature cited by the submitters: PubMed 31707452 (cited by Labcorp Genetics (formerly Invitae), Labcorp and Genomenon, Inc); PubMed 32160374 (cited by Labcorp Genetics (formerly Invitae), Labcorp and Genomenon, Inc); PubMed 38884565 (cited by Genomenon, Inc); PubMed 32811521 (cited by Genomenon, Inc); PubMed 32973344 (cited by Genomenon, Inc); PubMed 36361766 (cited by Genomenon, Inc); PubMed 31600233 (cited by Genomenon, Inc); PubMed 32088736 (cited by Genomenon, Inc).